The following is an entry in ClinVar:

ClinVar aggregate classification (germline): Uncertain significance (1 of 4 stars; one submission).

Submission:

GeneDx
Classification: Uncertain significance. Last evaluated: 2024-05-02. Review status: criteria provided, single submitter. Criteria: GeneDx Variant Classification Process June 2021. Collection method: clinical testing. Allele origin: germline. Affected: yes.
Comment: Not observed at significant frequency in large population cohorts (gnomAD); Has not been previously published as pathogenic or benign to our knowledge; In silico analysis suggests this variant may impact gene splicing. In the absence of RNA/functional studies, the actual effect of this sequence change is unknown.

NM_145207.3(AFG2A):c.1277+3A>C

Gene: AFG2A (AFG2 AAA ATPase homolog A; plus strand). Cytogenetic location: 4q28.1.
Variant type: single nucleotide variant.
Coding change: c.1277+3A>C on transcript NM_145207.3 (MANE Select); 3 bases into the intron after coding-DNA position 1277, A replaced by C.
Molecular consequence: intron variant.
Genome position (GRCh38, 1-based): chr4:122,935,846, A>C. VCF-style: chr4-122935846-A-C. GRCh37 (hg19) VCF-style: chr4-123857001-A-C.
Other names: c.1274+3A>C (NM_001345856.2, NM_001317799.2).
Identifiers: ClinVar variation 3373300 (VCV003373300.1).
Genomic context (GRCh38, chr4:122,935,846, plus strand): 5'-TTGCTAATGAAGTTGGAGCCTATGTTTCTGTAATTAATGGTCCTGAAATTATAAGCAAGT[A>C]AGTACATGATTTAATAGAGTAAACTTACTATTAAATATATTTCTAAAATGTGGTTTTTAA-3'